The following is an entry in ClinVar:

GRCh38/hg38 3p24.1(chr3:30638613-30656356)x1

Gene: TGFBR2 (transforming growth factor beta receptor 2; plus strand). Cytogenetic location: 3p24.1.
Variant type: copy number loss.
Change: copy number 1 (one copy instead of two) of chr3:30,638,613-30,656,356 (17.7 kb, GRCh38 coordinates, 1-based), cytogenetic band 3p24.1.
Identifiers: ClinVar variation 60056 (VCV000060056.1).

ClinVar aggregate classification (germline): Uncertain significance (1 of 4 stars; one submission).

Submission:

ISCA site 14
Classification: Uncertain significance. Last evaluated: 2011-08-12. Review status: criteria provided, single submitter. Criteria: Kaminsky et al. (Genet Med. 2011). Collection method: clinical testing. Allele origin: unknown. Affected: yes. Observed: 1 variant allele.
Comment: Copy number variation identified through the course of routine clinical cytogenomic testing in postnatal populations. Clinical assertions have been curated as described in Kaminsky et al. 2011.